The following is an entry in ClinVar:

ClinVar aggregate classification (germline): Uncertain significance (1 of 4 stars; one submission).

Allele frequency attached by ClinVar (database versions not stated): TOPMed below 0.00001; ExAC 0.00001.
gnomAD v4.1: 6 of 1,613,964 alleles (0.00037%); highest among the groups gnomAD compares: African/African-American, 0.0013%; no homozygotes.

Submission:

Labcorp Genetics (formerly Invitae), Labcorp
Classification: Uncertain significance. Last evaluated: 2025-05-05. Review status: criteria provided, single submitter. Criteria: Invitae Variant Classification Sherloc (09022015). Collection method: clinical testing. Allele origin: germline.
Comment: This sequence change replaces arginine, which is basic and polar, with histidine, which is basic and polar, at codon 372 of the LAMB1 protein (p.Arg372His). This variant is present in population databases (rs760878737, gnomAD 0.002%). This variant has not been reported in the literature in individuals affected with LAMB1-related conditions. ClinVar contains an entry for this variant (Variation ID: 1928037). An algorithm developed to predict the effect of missense changes on protein structure and function (PolyPhen-2) suggests that this variant is likely to be tolerated. In summary, the available evidence is currently insufficient to determine the role of this variant in disease. Therefore, it has been classified as a Variant of Uncertain Significance.

NM_002291.3(LAMB1):c.1115G>A (p.Arg372His)

Gene: LAMB1 (laminin subunit beta 1; minus strand). Cytogenetic location: 7q31.1.
Variant type: single nucleotide variant.
Coding change: c.1115G>A on transcript NM_002291.3 (MANE Select); coding-DNA position 1115, G replaced by A.
Protein change: p.Arg372His; replaces arginine 372 with histidine.
Molecular consequence: missense variant.
Genome position (GRCh38, 1-based): chr7:107,975,763, C>T on the plus strand (G>A on the coding strand, the complement: LAMB1 is on the minus strand). VCF-style: chr7-107975763-C-T. GRCh37 (hg19) VCF-style: chr7-107616208-C-T.
Other names: short protein forms R372H.
Identifiers: ClinVar variation 1928037 (VCV001928037.5), dbSNP rs760878737, ClinGen allele CA4436107.